The following is an entry in ClinVar:

ClinVar aggregate classification (germline): Uncertain significance (1 of 4 stars; one submission).

Conditions:
Charcot-Marie-Tooth disease axonal type 2O. Also called: Charcot-Marie-Tooth disease, axonal, type 20; CHARCOT-MARIE-TOOTH NEUROPATHY, AXONAL, TYPE 2O; CHARCOT-MARIE-TOOTH DISEASE, AXONAL, AUTOSOMAL DOMINANT, TYPE 2O; Charcot-Marie-Tooth Neuropathy Type 2O. Identifiers: Orphanet 284232, MedGen C3280220, MONDO:0013644, OMIM 614228.

Submission:

Labcorp Genetics (formerly Invitae), Labcorp
Classification: Uncertain significance for Charcot-Marie-Tooth disease axonal type 2O. Last evaluated: 2023-10-05. Review status: criteria provided, single submitter. Criteria: Invitae Variant Classification Sherloc (09022015). Collection method: clinical testing. Allele origin: germline.
Comment: This sequence change replaces valine, which is neutral and non-polar, with alanine, which is neutral and non-polar, at codon 1875 of the DYNC1H1 protein (p.Val1875Ala). This variant is not present in population databases (gnomAD no frequency). This variant has not been reported in the literature in individuals affected with DYNC1H1-related conditions. Advanced modeling of protein sequence and biophysical properties (such as structural, functional, and spatial information, amino acid conservation, physicochemical variation, residue mobility, and thermodynamic stability) performed at Invitae indicates that this missense variant is not expected to disrupt DYNC1H1 protein function. In summary, the available evidence is currently insufficient to determine the role of this variant in disease. Therefore, it has been classified as a Variant of Uncertain Significance.

NM_001376.5(DYNC1H1):c.5624T>C (p.Val1875Ala)

Gene: DYNC1H1 (dynein cytoplasmic 1 heavy chain 1; plus strand). Cytogenetic location: 14q32.31.
Variant type: single nucleotide variant.
Coding change: c.5624T>C on transcript NM_001376.5 (MANE Select); coding-DNA position 5624, T replaced by C.
Protein change: p.Val1875Ala; replaces valine 1875 with alanine.
Molecular consequence: missense variant.
Genome position (GRCh38, 1-based): chr14:102,006,078, T>C. VCF-style: chr14-102006078-T-C. GRCh37 (hg19) VCF-style: chr14-102472415-T-C.
Other names: short protein forms V1875A.
Identifiers: ClinVar variation 2765755 (VCV002765755.3), dbSNP rs2503742035, ClinGen allele CA391048894.